The following is an entry in ClinVar:

NM_000138.5(FBN1):c.4143G>C (p.Lys1381Asn)

Gene: FBN1 (fibrillin 1; minus strand). Cytogenetic location: 15q21.1.
Variant type: single nucleotide variant.
Coding change: c.4143G>C on transcript NM_000138.5 (MANE Select); coding-DNA position 4143, G replaced by C.
Protein change: p.Lys1381Asn; replaces lysine 1381 with asparagine.
Molecular consequence: missense variant.
Genome position (GRCh38, 1-based): chr15:48,474,322, C>G on the plus strand (G>C on the coding strand, the complement: FBN1 is on the minus strand). VCF-style: chr15-48474322-C-G. GRCh37 (hg19) VCF-style: chr15-48766519-C-G.
Other names: short protein forms K1381N.
Identifiers: ClinVar variation 1016915 (VCV001016915.9), dbSNP rs2043402274, ClinGen allele CA392320255.

ClinVar aggregate classification (germline): Uncertain significance. Review status: criteria provided, multiple submitters, no conflicts (2 of 4 stars). 2 submissions from 2 submitters: Uncertain significance (2). Last evaluated 2024-05-29.

Conditions:
Marfan syndrome (MFS). Also called: FBN1-Related Marfan Syndrome; MARFAN SYNDROME, TYPE I; Marfan syndrome type 1; Marfan's syndrome; Marfan syndrome, classic. Identifiers: Orphanet 284963, Orphanet 558, MedGen C0024796, MONDO:0007947, OMIM 154700.
Familial thoracic aortic aneurysm and aortic dissection (TAAD). Also called: Thoracic aortic aneurysms and dissections. Identifiers: Orphanet 91387, MedGen C4707243, MONDO:0019625.

Submissions (2):

Labcorp Genetics (formerly Invitae), Labcorp
Classification: Uncertain significance for Marfan syndrome; Familial thoracic aortic aneurysm and aortic dissection. Last evaluated: 2024-05-29. Review status: criteria provided, single submitter. Criteria: Invitae Variant Classification Sherloc (09022015). Collection method: clinical testing. Allele origin: germline.
Comment: This sequence change replaces lysine, which is basic and polar, with asparagine, which is neutral and polar, at codon 1381 of the FBN1 protein (p.Lys1381Asn). This variant is not present in population databases (gnomAD no frequency). This missense change has been observed in individual(s) with Marfan syndrome (PMID: 19293843). In at least one individual the variant was observed to be de novo. ClinVar contains an entry for this variant (Variation ID: 1016915). Advanced modeling of protein sequence and biophysical properties (such as structural, functional, and spatial information, amino acid conservation, physicochemical variation, residue mobility, and thermodynamic stability) performed at Invitae indicates that this missense variant is not expected to disrupt FBN1 protein function with a negative predictive value of 95%. In summary, the available evidence is currently insufficient to determine the role of this variant in disease. Therefore, it has been classified as a Variant of Uncertain Significance.

All of Us Research Program, National Institutes of Health
Classification: Uncertain significance for Marfan syndrome. Last evaluated: 2023-11-20. Review status: criteria provided, single submitter. Criteria: ACMG Guidelines, 2015. Collection method: clinical testing. Allele origin: germline. Inheritance: Autosomal dominant inheritance. Observed: 1 variant allele, 1 heterozygote.
Comment: This missense variant replaces lysine with asparagine at codon 1381 of the FBN1 protein. Computational prediction suggests that this variant may not impact protein structure and function (internally defined REVEL score threshold <= 0.5, PMID: 27666373). To our knowledge, functional studies have not been reported for this variant. This variant has been reported in one individual affected with neonatal Marfan syndrome who also carried another likely pathogenic splice variant in the same gene that could explain the observed disease (PMID: 19293843). This variant has not been identified in the general population by the Genome Aggregation Database (gnomAD). The available evidence is insufficient to determine the role of this variant in disease conclusively. Therefore, this variant is classified as a Variant of Uncertain Significance.

This study involves interpretation of variants in research participants for the purpose of population health screening. Participant phenotype was not available at the time of variant classification. Additional details can be found in publication PMID: 35346344, PMCID: PMC8962531

Literature cited by the submitters: PubMed 19293843 (cited by Labcorp Genetics (formerly Invitae), Labcorp and All of Us Research Program, National Institutes of Health).